The following is an entry in ClinVar:

ClinVar aggregate classification (germline): Uncertain significance (1 of 4 stars; one submission).

Submission:

Labcorp Genetics (formerly Invitae), Labcorp
Classification: Uncertain significance. Last evaluated: 2025-11-14. Review status: criteria provided, single submitter. Criteria: Invitae Variant Classification Sherloc (09022015). Collection method: clinical testing. Allele origin: germline.
Comment: This sequence change replaces alanine, which is neutral and non-polar, with valine, which is neutral and non-polar, at codon 863 of the NUP133 protein (p.Ala863Val). This variant is not present in population databases (gnomAD no frequency). This variant has not been reported in the literature in individuals affected with NUP133-related conditions. An algorithm developed to predict the effect of missense changes on protein structure and function (PolyPhen-2) suggests that this variant is likely to be disruptive. In summary, the available evidence is currently insufficient to determine the role of this variant in disease. Therefore, it has been classified as a Variant of Uncertain Significance.

NM_018230.3(NUP133):c.2588C>T (p.Ala863Val)

Gene: NUP133 (nucleoporin 133; minus strand). Cytogenetic location: 1q42.13.
Variant type: single nucleotide variant.
Coding change: c.2588C>T on transcript NM_018230.3 (MANE Select); coding-DNA position 2588, C replaced by T.
Protein change: p.Ala863Val; replaces alanine 863 with valine.
Molecular consequence: missense variant.
Genome position (GRCh38, 1-based): chr1:229,463,640, G>A on the plus strand (C>T on the coding strand, the complement: NUP133 is on the minus strand). VCF-style: chr1-229463640-G-A. GRCh37 (hg19) VCF-style: chr1-229599387-G-A.
Other names: short protein forms A863V.
Identifiers: ClinVar variation 4729253 (VCV004729253.1).